The following is an entry in ClinVar:

NM_001042681.2(RERE):c.3551G>A (p.Arg1184Gln)

Gene: RERE (arginine-glutamic acid dipeptide repeats; minus strand). Cytogenetic location: 1p36.23.
Variant type: single nucleotide variant.
Coding change: c.3551G>A on transcript NM_001042681.2 (MANE Select); coding-DNA position 3551, G replaced by A.
Protein change: p.Arg1184Gln; replaces arginine 1184 with glutamine.
Molecular consequence: missense variant.
Genome position (GRCh38, 1-based): chr1:8,359,831, C>T on the plus strand (G>A on the coding strand, the complement: RERE is on the minus strand). VCF-style: chr1-8359831-C-T. GRCh37 (hg19) VCF-style: chr1-8419891-C-T.
Other names: c.1889G>A, p.Arg630Gln (NM_001042682.2); c.3551G>A, p.Arg1184Gln (NM_012102.4); short protein forms R630Q, R1184Q.
Identifiers: ClinVar variation 2956399 (VCV002956399.3), dbSNP rs142494554, ClinGen allele CA571119.

ClinVar aggregate classification (germline): Uncertain significance (1 of 4 stars; one submission).

Allele frequency attached by ClinVar (database versions not stated): ExAC 0.00003.

Submission:

Labcorp Genetics (formerly Invitae), Labcorp
Classification: Uncertain significance. Last evaluated: 2025-02-04. Review status: criteria provided, single submitter. Criteria: Invitae Variant Classification Sherloc (09022015). Collection method: clinical testing. Allele origin: germline.
Comment: This sequence change replaces arginine, which is basic and polar, with glutamine, which is neutral and polar, at codon 1184 of the RERE protein (p.Arg1184Gln). The frequency data for this variant in the population databases is considered unreliable, as metrics indicate poor data quality at this position in the gnomAD database. This variant has not been reported in the literature in individuals affected with RERE-related conditions. ClinVar contains an entry for this variant (Variation ID: 2956399). Invitae Evidence Modeling of protein sequence and biophysical properties (such as structural, functional, and spatial information, amino acid conservation, physicochemical variation, residue mobility, and thermodynamic stability) has been performed for this missense variant. However, the output from this modeling did not meet the statistical confidence thresholds required to predict the impact of this variant on RERE protein function. In summary, the available evidence is currently insufficient to determine the role of this variant in disease. Therefore, it has been classified as a Variant of Uncertain Significance.